The following is an entry in ClinVar:

NM_002439.5(MSH3):c.499A>G (p.Thr167Ala)

Gene: MSH3 (mutS homolog 3; plus strand). Cytogenetic location: 5q14.1.
Variant type: single nucleotide variant.
Coding change: c.499A>G on transcript NM_002439.5 (MANE Select); coding-DNA position 499, A replaced by G.
Protein change: p.Thr167Ala; replaces threonine 167 with alanine.
Molecular consequence: missense variant.
Genome position (GRCh38, 1-based): chr5:80,665,283, A>G. VCF-style: chr5-80665283-A-G. GRCh37 (hg19) VCF-style: chr5-79961102-A-G.
Other names: c.499A>G (NM_002439.3); short protein forms T167A.
Identifiers: ClinVar variation 950408 (VCV000950408.9), dbSNP rs1749544443, ClinGen allele CA360263946.

ClinVar aggregate classification (germline): Uncertain significance. Review status: criteria provided, multiple submitters, no conflicts (2 of 4 stars). 2 submissions from 2 submitters: Uncertain significance (2). Last evaluated 2023-08-30.

Conditions:
Hereditary cancer-predisposing syndrome. Also called: Tumor predisposition; Hereditary neoplastic syndrome; Neoplastic Syndromes, Hereditary; Hereditary Cancer Syndrome. Identifiers: Orphanet 140162, MedGen C0027672, MeSH D009386, MONDO:0015356.

Allele frequency attached by ClinVar (database versions not stated): TOPMed below 0.00001; gnomAD exomes 0.00001.
gnomAD v4.1: 5 of 1,613,944 alleles (0.00031%); highest among the groups gnomAD compares: Non-Finnish European, 0.00042%; no homozygotes.

Submissions (2):

Ambry Genetics
Classification: Uncertain significance for Hereditary cancer-predisposing syndrome. Last evaluated: 2023-08-30. Review status: criteria provided, single submitter. Criteria: Ambry Variant Classification Scheme 2023. Collection method: clinical testing. Allele origin: germline.
Comment: The p.T167A variant (also known as c.499A>G), located in coding exon 3 of the MSH3 gene, results from an A to G substitution at nucleotide position 499. The threonine at codon 167 is replaced by alanine, an amino acid with similar properties. This amino acid position is conserved. In addition, this alteration is predicted to be tolerated by in silico analysis. Since supporting evidence is limited at this time, the clinical significance of this alteration remains unclear.

Labcorp Genetics (formerly Invitae), Labcorp
Classification: Uncertain significance. Last evaluated: 2023-04-22. Review status: criteria provided, single submitter. Criteria: Invitae Variant Classification Sherloc (09022015). Collection method: clinical testing. Allele origin: germline.
Comment: This sequence change replaces threonine, which is neutral and polar, with alanine, which is neutral and non-polar, at codon 167 of the MSH3 protein (p.Thr167Ala). This variant is not present in population databases (gnomAD no frequency). This variant has not been reported in the literature in individuals affected with MSH3-related conditions. ClinVar contains an entry for this variant (Variation ID: 950408). An algorithm developed to predict the effect of missense changes on protein structure and function (PolyPhen-2) suggests that this variant is likely to be tolerated. In summary, the available evidence is currently insufficient to determine the role of this variant in disease. Therefore, it has been classified as a Variant of Uncertain Significance.